The following is an entry in ClinVar:

ClinVar aggregate classification (germline): Uncertain significance. Review status: criteria provided, multiple submitters, no conflicts (2 of 4 stars). 2 submissions from 2 submitters: Uncertain significance (2). Last evaluated 2025-11-20.

Conditions:
Inborn genetic diseases. Identifiers: MedGen C0950123, MeSH D030342.
Glycogen storage disease type X (GSD10). Also called: GSD X; Glycogen storage disease due to phosphoglycerate mutase deficiency; MYOPATHY DUE TO PHOSPHOGLYCERATE MUTASE DEFICIENCY; PGAMM DEFICIENCY; PHOSPHOGLYCERATE MUTASE, MUSCLE, DEFICIENCY OF; Dimauro disease. Identifiers: Orphanet 97234, MedGen C0268149, MONDO:0009865, OMIM 261670.

Allele frequency attached by ClinVar (database versions not stated): gnomAD 0.00001; TOPMed below 0.00001; gnomAD exomes 0.00004.
gnomAD v4.1: 51 of 1,614,046 alleles (0.0032%); highest among the groups gnomAD compares: Non-Finnish European, 0.0043%; no homozygotes.

Submissions (2):

Ambry Genetics
Classification: Uncertain significance for Inborn genetic diseases. Last evaluated: 2025-11-20. Review status: criteria provided, single submitter. Criteria: Ambry Variant Classification Scheme 2023. Collection method: clinical testing. Allele origin: germline.

Labcorp Genetics (formerly Invitae), Labcorp
Classification: Uncertain significance for Glycogen storage disease type X. Last evaluated: 2023-10-13. Review status: criteria provided, single submitter. Criteria: Invitae Variant Classification Sherloc (09022015). Collection method: clinical testing. Allele origin: germline.
Comment: This sequence change replaces glycine, which is neutral and non-polar, with serine, which is neutral and polar, at codon 24 of the PGAM2 protein (p.Gly24Ser). This variant is not present in population databases (gnomAD no frequency). This variant has not been reported in the literature in individuals affected with PGAM2-related conditions. ClinVar contains an entry for this variant (Variation ID: 2173720). Advanced modeling of protein sequence and biophysical properties (such as structural, functional, and spatial information, amino acid conservation, physicochemical variation, residue mobility, and thermodynamic stability) performed at Invitae indicates that this missense variant is expected to disrupt PGAM2 protein function. In summary, the available evidence is currently insufficient to determine the role of this variant in disease. Therefore, it has been classified as a Variant of Uncertain Significance.

NM_000290.4(PGAM2):c.70G>A (p.Gly24Ser)

Genes: DBNL (drebrin like; plus strand), PGAM2 (phosphoglycerate mutase 2; minus strand). Cytogenetic location: 7p13.
Variant type: single nucleotide variant.
Coding change: c.70G>A on transcript NM_000290.4 (MANE Select); coding-DNA position 70, G replaced by A.
Protein change: p.Gly24Ser; replaces glycine 24 with serine.
Molecular consequence: missense variant. On other transcripts: 3 prime UTR variant (6).
Genome position (GRCh38, 1-based): chr7:44,065,460, C>T on the plus strand (G>A on the coding strand, the complement: PGAM2 is on the minus strand). VCF-style: chr7-44065460-C-T. GRCh37 (hg19) VCF-style: chr7-44105059-C-T.
Other names: c.*4544C>T (NM_001014436.3, NM_001122956.2, NM_001284313.2 and 3 more transcripts); c.70G>A (NM_000290.3); short protein forms G24S.
Identifiers: ClinVar variation 2173720 (VCV002173720.3), dbSNP rs2096158125, ClinGen allele CA367370301.